The following is an entry in ClinVar:

NM_020533.3(MCOLN1):c.777+1G>C

Gene: MCOLN1 (mucolipin TRP cation channel 1; plus strand). Cytogenetic location: 19p13.2.
Variant type: single nucleotide variant.
Coding change: c.777+1G>C on transcript NM_020533.3 (MANE Select); the canonical splice donor site of the intron after coding-DNA position 777, G replaced by C.
Molecular consequence: splice donor variant.
Genome position (GRCh38, 1-based): chr19:7,527,961, G>C. VCF-style: chr19-7527961-G-C. GRCh37 (hg19) VCF-style: chr19-7592847-G-C.
Identifiers: ClinVar variation 373935 (VCV000373935.8), dbSNP rs1057518781, ClinGen allele CA16043562.

ClinVar aggregate classification (germline): Pathogenic. Review status: criteria provided, multiple submitters, no conflicts (2 of 4 stars). 3 submissions from 3 submitters: Pathogenic (2). 1 of the submissions does not count toward it. Last evaluated 2025-04-24.

Conditions:
Mucolipidosis type IV (ML4). Also called: ML IV. Identifiers: Orphanet 578, MedGen C0238286, MONDO:0009653, OMIM 252650.
Delayed speech and language development. Also called: Language delay. Identifiers: MedGen C0454644, HP:0000750.
Growth delay. Also called: Growth retardation. Identifiers: MedGen C0456070, HP:0001510.
Intellectual disability. Also called: Intellectual developmental disorder; Intellectual functioning disability; intellectual disabilities. Identifiers: MedGen C3714756, MeSH D008607, MONDO:0001071, HP:0001249.
Delayed myelination. Identifiers: MedGen C1277241, HP:0012448.
Corneal opacity. Identifiers: MedGen C0010038, HP:0007957.
Periventricular leukomalacia (PVL). Identifiers: MedGen C0023529, MONDO:0015742, HP:0006970.
Atrophy/Degeneration affecting the brainstem. Identifiers: MedGen C4024900, HP:0007366.

Submissions (3):

Natera, Inc.
Classification: Pathogenic for Mucolipidosis type IV. Last evaluated: 2025-04-24. Review status: criteria provided, single submitter. Criteria: Natera Variant Classification Schema (03/2026). Collection method: clinical testing. Allele origin: germline.
Comment: The c.777+1G>C variant in MCOLN1 is a canonical splice donor site variant predicted to affect pre-mRNA splicing, which may result in an abnormal transcript and altered protein product. This variant is expected to result in nonsense mediated decay, truncation, or a dysfunctional protein product. This variant is rare in the general population with a frequency below the threshold expected for the associated phenotype(s). This variant has been observed in one or more individuals affected with the associated recessive disease, as either homozygous or compound heterozygous with a second variant (PMID: 31623504). Given the available evidence, this variant is classified as Pathogenic.

Labcorp Genetics (formerly Invitae), Labcorp
Classification: Pathogenic for Mucolipidosis type IV. Last evaluated: 2022-12-20. Review status: criteria provided, single submitter. Criteria: Invitae Variant Classification Sherloc (09022015). Collection method: clinical testing. Allele origin: germline.
Comment: This sequence change affects a donor splice site in intron 6 of the MCOLN1 gene. It is expected to disrupt RNA splicing. Variants that disrupt the donor or acceptor splice site typically lead to a loss of protein function (PMID: 16199547), and loss-of-function variants in MCOLN1 are known to be pathogenic (PMID: 11030752, 11317355). This variant is not present in population databases (gnomAD no frequency). For these reasons, this variant has been classified as Pathogenic. Algorithms developed to predict the effect of sequence changes on RNA splicing suggest that this variant may disrupt the consensus splice site. ClinVar contains an entry for this variant (Variation ID: 373935). Disruption of this splice site has been observed in individual(s) with MCOLN1-related conditions (PMID: 31623504). In at least one individual the data is consistent with being in trans (on the opposite chromosome) from a pathogenic variant.

Centre for Mendelian Genomics, University Medical Centre Ljubljana
Classification: Likely pathogenic for Growth delay; Intellectual disability; Delayed speech and language development; Corneal opacity; Periventricular leukomalacia; Delayed myelination; Atrophy/Degeneration affecting the brainstem. Last evaluated: 2016-06-08. Review status: no assertion criteria provided. Collection method: clinical testing. Allele origin: unknown. Affected: yes. Not counted in ClinVar's aggregate classification.

Literature cited by the submitters: PubMed 31623504 (cited by Natera, Inc. and Labcorp Genetics (formerly Invitae), Labcorp); PubMed 16199547 (cited by Labcorp Genetics (formerly Invitae), Labcorp); PubMed 11030752 (cited by Labcorp Genetics (formerly Invitae), Labcorp); PubMed 11317355 (cited by Labcorp Genetics (formerly Invitae), Labcorp).